The following is an entry in ClinVar:

ClinVar aggregate classification (germline): Uncertain significance (1 of 4 stars; one submission).

Conditions:
Hereditary motor and sensory neuropathy, Okinawa type (HMSNO). Also called: HEREDITARY MOTOR AND SENSORY NEUROPATHY, PROXIMAL TYPE. Identifiers: Orphanet 90117, MedGen C1858338, MONDO:0011468, OMIM 604484.
Hereditary spastic paraplegia 57. Also called: Spastic paraplegia 57, autosomal recessive. Identifiers: Orphanet 431329, MedGen C3714897, MONDO:0014295, OMIM 615658.

Allele frequency attached by ClinVar (database versions not stated): gnomAD exomes below 0.00001 and 0.00001; gnomAD 0.00002; TOPMed 0.00004.
gnomAD v4.1: 7 of 1,612,748 alleles (0.00043%); highest among the groups gnomAD compares: African/African-American, 0.0094%; no homozygotes.

Submission:

Labcorp Genetics (formerly Invitae), Labcorp
Classification: Uncertain significance for Hereditary motor and sensory neuropathy, Okinawa type; Hereditary spastic paraplegia 57. Last evaluated: 2024-09-08. Review status: criteria provided, single submitter. Criteria: Invitae Variant Classification Sherloc (09022015). Collection method: clinical testing. Allele origin: germline.
Comment: This sequence change replaces lysine, which is basic and polar, with arginine, which is basic and polar, at codon 155 of the TFG protein (p.Lys155Arg). This variant is present in population databases (no rsID available, gnomAD 0.008%). This variant has not been reported in the literature in individuals affected with TFG-related conditions. ClinVar contains an entry for this variant (Variation ID: 839794). Invitae Evidence Modeling of protein sequence and biophysical properties (such as structural, functional, and spatial information, amino acid conservation, physicochemical variation, residue mobility, and thermodynamic stability) indicates that this missense variant is not expected to disrupt TFG protein function with a negative predictive value of 80%. In summary, the available evidence is currently insufficient to determine the role of this variant in disease. Therefore, it has been classified as a Variant of Uncertain Significance.

NM_006070.6(TFG):c.464A>G (p.Lys155Arg)

Gene: TFG (trafficking from ER to golgi regulator; plus strand). Cytogenetic location: 3q12.2.
Variant type: single nucleotide variant.
Coding change: c.464A>G on transcript NM_006070.6 (MANE Select); coding-DNA position 464, A replaced by G.
Protein change: p.Lys155Arg; replaces lysine 155 with arginine.
Molecular consequence: missense variant.
Genome position (GRCh38, 1-based): chr3:100,732,556, A>G. VCF-style: chr3-100732556-A-G. GRCh37 (hg19) VCF-style: chr3-100451400-A-G.
Other names: c.464A>G, p.Lys155Arg (NM_001007565.2, NM_001195478.2, NM_001195479.2); short protein forms K155R.
Identifiers: ClinVar variation 839794 (VCV000839794.9), dbSNP rs966574827, ClinGen allele CA79701917.